The following is an entry in ClinVar:

NM_000071.3(CBS):c.1169G>A (p.Trp390Ter)

Gene: CBS (cystathionine beta-synthase; minus strand). Cytogenetic location: 21q22.3.
Variant type: single nucleotide variant.
Coding change: c.1169G>A on transcript NM_000071.3 (MANE Select); coding-DNA position 1169, G replaced by A.
Protein change: p.Trp390Ter; replaces tryptophan 390 with a stop codon.
Molecular consequence: nonsense.
Genome position (GRCh38, 1-based): chr21:43,059,280, C>T on the plus strand (G>A on the coding strand, the complement: CBS is on the minus strand). VCF-style: chr21-43059280-C-T. GRCh37 (hg19) VCF-style: chr21-44479390-C-T.
Other names: c.1169G>A, p.Trp390Ter (NM_001178008.3, NM_001178009.3, NM_001320298.2); c.854G>A, p.Trp285Ter (NM_001321072.1); short protein forms W285*, W390*.
Identifiers: ClinVar variation 1376358 (VCV001376358.6), dbSNP rs2146344203, ClinGen allele CA410397808.

ClinVar aggregate classification (germline): Pathogenic (1 of 4 stars; one submission).

Conditions:
HYPERHOMOCYSTEINEMIA, THROMBOTIC, CBS-RELATED. Identifiers: MedGen C3150344, OMIM 236200.

Submission:

Labcorp Genetics (formerly Invitae), Labcorp
Classification: Pathogenic for HYPERHOMOCYSTEINEMIA, THROMBOTIC, CBS-RELATED. Last evaluated: 2021-09-20. Review status: criteria provided, single submitter. Criteria: Invitae Variant Classification Sherloc (09022015). Collection method: clinical testing. Allele origin: germline.
Comment: This sequence change creates a premature translational stop signal (p.Trp390*) in the CBS gene. It is expected to result in an absent or disrupted protein product. Loss-of-function variants in CBS are known to be pathogenic (PMID: 10338090, 12124992). This variant is not present in population databases (ExAC no frequency). This premature translational stop signal has been observed in individual(s) with CBS deficiency (PMID: 10338090). For these reasons, this variant has been classified as Pathogenic.

Literature cited by the submitters: PubMed 10338090; PubMed 12124992.